The following is an entry in ClinVar:

ClinVar aggregate classification (germline): Likely benign. Review status: criteria provided, multiple submitters, no conflicts (2 of 4 stars). 3 submissions from 3 submitters: Likely benign (3). Last evaluated 2025-07-27.

Allele frequency attached by ClinVar (database versions not stated): gnomAD exomes 0.00002; gnomAD 0.00003 and 0.00004; TOPMed 0.00003.
gnomAD v4.1: 41 of 1,612,500 alleles (0.0025%); highest among the groups gnomAD compares: Middle Eastern, 0.016%; no homozygotes.

Submissions (3):

Labcorp Genetics (formerly Invitae), Labcorp
Classification: Likely benign. Last evaluated: 2025-07-27. Review status: criteria provided, single submitter. Criteria: Invitae Variant Classification Sherloc (09022015). Collection method: clinical testing. Allele origin: germline.

CeGaT Center for Human Genetics Tuebingen
Classification: Likely benign. Last evaluated: 2024-11-01. Review status: criteria provided, single submitter. Criteria: CeGaT Center For Human Genetics Tuebingen Variant Classification Criteria Version 2. Collection method: clinical testing. Allele origin: germline. Affected: yes. Observed: 2 variant alleles.
Comment: COL2A1: BP4, BP7

Blueprint Genetics
Classification: Likely benign. Last evaluated: 2024-06-13. Review status: criteria provided, single submitter. Criteria: ACMG Guidelines, 2015. Collection method: clinical testing. Allele origin: germline.

NM_001844.5(COL2A1):c.3588C>T (p.Thr1196=)

Gene: COL2A1 (collagen type II alpha 1 chain; minus strand). Cytogenetic location: 12q13.11.
Variant type: single nucleotide variant.
Coding change: c.3588C>T on transcript NM_001844.5 (MANE Select); coding-DNA position 3588, C replaced by T.
Protein change: p.Thr1196=; no amino-acid change (threonine 1196 retained).
Molecular consequence: synonymous variant.
Genome position (GRCh38, 1-based): chr12:47,975,972, G>A on the plus strand (C>T on the coding strand, the complement: COL2A1 is on the minus strand). VCF-style: chr12-47975972-G-A. GRCh37 (hg19) VCF-style: chr12-48369755-G-A.
Other names: c.3381C>T, p.Thr1127= (NM_033150.3).
Identifiers: ClinVar variation 1113473 (VCV001113473.33), dbSNP rs1245257033, ClinGen allele CA479451436.
Genomic context (GRCh38, chr12:47,975,972, plus strand): 5'-TCCCGGATGGTAGGGACACCTCGACAGCAGGGAAGGAGTCAGGACACTTACAGCAGGGCC[G>A]GTTTCGCCTGATCGTCCACGGGGACCAGGAGGCCCAATGGGGCCAGGGATTCCATTAGCA-3'
Protein context (NP_001835.3, residues 1186-1206): PPGPRGRSGE[Thr1196=]GPAGPPGNPG